The following is an entry in ClinVar:

ClinVar aggregate classification (germline): Uncertain significance. Review status: criteria provided, multiple submitters, no conflicts (2 of 4 stars). 3 submissions from 3 submitters: Uncertain significance (3). Last evaluated 2026-02-01.

Conditions:
Ullrich congenital muscular dystrophy 2 (UCMD2). Identifiers: Orphanet 75840, MedGen C4225314, MONDO:0014654, OMIM 616470.
Bethlem myopathy 2 (BTHLM2). Identifiers: Orphanet 536516, Orphanet 610, MedGen C4225313, MONDO:0034022, OMIM 616471.
Inborn genetic diseases. Identifiers: MedGen C0950123, MeSH D030342.

Allele frequency attached by ClinVar (database versions not stated): gnomAD exomes below 0.00001; gnomAD 0.00001; TOPMed 0.00001.
gnomAD v4.1: 10 of 1,613,396 alleles (0.00062%); highest among the groups gnomAD compares: East Asian, 0.0022%; no homozygotes.

Submissions (3):

CeGaT Center for Human Genetics Tuebingen
Classification: Uncertain significance. Last evaluated: 2026-02-01. Review status: criteria provided, single submitter. Criteria: CeGaT Center For Human Genetics Tuebingen Variant Classification Criteria Version 2. Collection method: clinical testing. Allele origin: germline. Affected: yes. Observed: 1 variant allele.
Comment: COL12A1: PM2

Labcorp Genetics (formerly Invitae), Labcorp
Classification: Uncertain significance for Bethlem myopathy 2; Ullrich congenital muscular dystrophy 2. Last evaluated: 2025-09-10. Review status: criteria provided, single submitter. Criteria: Invitae Variant Classification Sherloc (09022015). Collection method: clinical testing. Allele origin: germline.
Comment: This sequence change replaces arginine, which is basic and polar, with glutamine, which is neutral and polar, at codon 1757 of the COL12A1 protein (p.Arg1757Gln). This variant is not present in population databases (gnomAD no frequency). This variant has not been reported in the literature in individuals affected with COL12A1-related conditions. ClinVar contains an entry for this variant (Variation ID: 2936460). Invitae Evidence Modeling of protein sequence and biophysical properties (such as structural, functional, and spatial information, amino acid conservation, physicochemical variation, residue mobility, and thermodynamic stability) indicates that this missense variant is not expected to disrupt COL12A1 protein function with a negative predictive value of 80%. In summary, the available evidence is currently insufficient to determine the role of this variant in disease. Therefore, it has been classified as a Variant of Uncertain Significance.

Ambry Genetics
Classification: Uncertain significance for Inborn genetic diseases. Last evaluated: 2024-08-01. Review status: criteria provided, single submitter. Criteria: Ambry Variant Classification Scheme 2023. Collection method: clinical testing. Allele origin: germline.

NM_004370.6(COL12A1):c.5270G>A (p.Arg1757Gln)

Gene: COL12A1 (collagen type XII alpha 1 chain; minus strand). Cytogenetic location: 6q13.
Variant type: single nucleotide variant.
Coding change: c.5270G>A on transcript NM_004370.6 (MANE Select); coding-DNA position 5270, G replaced by A.
Protein change: p.Arg1757Gln; replaces arginine 1757 with glutamine.
Molecular consequence: missense variant.
Genome position (GRCh38, 1-based): chr6:75,137,561, C>T on the plus strand (G>A on the coding strand, the complement: COL12A1 is on the minus strand). VCF-style: chr6-75137561-C-T. GRCh37 (hg19) VCF-style: chr6-75847277-C-T.
Other names: c.1778G>A, p.Arg593Gln (NM_080645.3, NM_001424116.1); c.5270G>A, p.Arg1757Gln (NM_001424113.1); c.5249G>A, p.Arg1750Gln (NM_001424114.1); c.4997G>A, p.Arg1666Gln (NM_001424115.1); c.5270G>A (NM_004370.5); short protein forms R1757Q, R593Q, R1666Q, R1750Q.
Identifiers: ClinVar variation 2936460 (VCV002936460.8), dbSNP rs1766686087, ClinGen allele CA364737901.